The following is an entry in ClinVar:

NM_000038.6(APC):c.2583C>A (p.Gly861=)

Gene: APC (APC regulator of Wnt signaling pathway; plus strand). Cytogenetic location: 5q22.2.
Variant type: single nucleotide variant.
Coding change: c.2583C>A on transcript NM_000038.6 (MANE Select); coding-DNA position 2583, C replaced by A.
Protein change: p.Gly861=; no amino-acid change (glycine 861 retained).
Molecular consequence: synonymous variant.
Genome position (GRCh38, 1-based): chr5:112,838,177, C>A. VCF-style: chr5-112838177-C-A. GRCh37 (hg19) VCF-style: chr5-112173874-C-A.
Other names: c.2583C>A, p.Gly861= (NM_001127510.3, NM_001354895.2); c.2529C>A, p.Gly843= (NM_001127511.3); c.2637C>A, p.Gly879= (NM_001354896.2); c.2613C>A, p.Gly871= (NM_001354897.2); c.2508C>A, p.Gly836= (NM_001354898.2); c.2499C>A, p.Gly833= (NM_001354899.2); c.2460C>A, p.Gly820= (NM_001354900.2); c.2406C>A, p.Gly802= (NM_001354901.2); and 5 more.
Identifiers: ClinVar variation 755226 (VCV000755226.14), dbSNP rs1580624343, ClinGen allele CA445962909.
Genomic context (GRCh38, chr5:112,838,177, plus strand): 5'-AGATAGTTCTCGTTCTGAAAAAGATAGAAGTTTGGAGAGAGAACGCGGAATTGGTCTAGG[C>A]AACTACCATCCAGCAACAGAAAATCCAGGAACTTCTTCAAAGCGAGGTTTGCAGATCTCC-3'
Protein context (NP_000029.2, residues 851-871): SLERERGIGL[Gly861=]NYHPATENPG

ClinVar aggregate classification (germline): Benign/Likely benign. Review status: criteria provided, multiple submitters, no conflicts (2 of 4 stars). 4 submissions from 4 submitters: Benign (1); Likely benign (3). Last evaluated 2025-05-18.

Conditions:
Hereditary cancer-predisposing syndrome. Also called: Hereditary Cancer Syndrome; Hereditary neoplastic syndrome; Neoplastic Syndromes, Hereditary; Tumor predisposition. Identifiers: Orphanet 140162, MedGen C0027672, MeSH D009386, MONDO:0015356.
Familial adenomatous polyposis 1 (FAP1). Also called: FAMILIAL ADENOMATOUS POLYPOSIS 1, ATTENUATED; POLYPOSIS, ADENOMATOUS INTESTINAL. Identifiers: MedGen C2713442, MONDO:0021056, OMIM 175100. Disease mechanism: loss of function.

Allele frequency attached by ClinVar (database versions not stated): gnomAD exomes below 0.00001.
gnomAD v4.1: 1 of 1,614,184 alleles (0.000062%); highest among the groups gnomAD compares: Non-Finnish European, 0.000085%; no homozygotes.

Submissions (4):

Labcorp Genetics (formerly Invitae), Labcorp
Classification: Likely benign for Familial adenomatous polyposis 1. Last evaluated: 2025-05-18. Review status: criteria provided, single submitter. Criteria: Invitae Variant Classification Sherloc (09022015). Collection method: clinical testing. Allele origin: germline.

Myriad Genetics, Inc.
Classification: Benign for Familial adenomatous polyposis 1. Last evaluated: 2024-03-14. Review status: criteria provided, single submitter. Criteria: Myriad Autosomal Dominant, Autosomal Recessive and X-Linked Classification Criteria (2023). Collection method: clinical testing. Allele origin: unknown.
Comment: This variant is considered benign. This variant is a silent/synonymous amino acid change and it is not expected to impact splicing.

Ambry Genetics
Classification: Likely benign for Hereditary cancer-predisposing syndrome. Last evaluated: 2019-12-26. Review status: criteria provided, single submitter. Criteria: Ambry Variant Classification Scheme 2023. Collection method: clinical testing. Allele origin: germline.

Color Diagnostics, LLC DBA Color Health
Classification: Likely benign for Hereditary cancer-predisposing syndrome. Last evaluated: 2019-08-02. Review status: criteria provided, single submitter. Criteria: ACMG Guidelines, 2015. Collection method: clinical testing. Allele origin: germline.